The following is an entry in ClinVar:

ClinVar aggregate classification (germline): Likely pathogenic (1 of 4 stars; one submission).

Conditions:
Deficiency of galactokinase. Also called: GALACTOSEMIA II; Galactokinase deficiency with cataracts. Identifiers: Orphanet 352, Orphanet 79237, MedGen C0268155, MONDO:0009255, OMIM 230200.

Submission:

Myriad Genetics, Inc.
Classification: Likely pathogenic for Deficiency of galactokinase. Last evaluated: 2022-03-02. Review status: criteria provided, single submitter. Criteria: Myriad Women's Health Autosomal Recessive and X-Linked Classification Criteria (2021). Collection method: clinical testing. Allele origin: unknown.
Comment: NM_000154.1(GALK1):c.425_426delCAinsT(S142Lfs*22) is expected to be pathogenic in the context of galactokinase deficiency. This variant is predicted to lead to an abnormal or absent protein product due to the creation of a premature termination codon in GALK1, a gene where loss-of-function variants are known to be pathogenic. Please note: this variant was assessed in the context of healthy population screening.

NM_000154.2(GALK1):c.425_426delinsT (p.Ser142fs)

Gene: GALK1 (galactokinase 1; minus strand). Cytogenetic location: 17q25.1.
Variant type: Indel.
Coding change: c.425_426delinsT on transcript NM_000154.2 (MANE Select); coding-DNA positions 425 to 426, CA replaced by T.
Protein change: p.Ser142fs; shifts the reading frame from serine 142.
Molecular consequence: frameshift variant.
Genome position (GRCh38, 1-based): chr17:75,763,369-75,763,370, TG replaced by A on the plus strand (CA replaced by T on the coding strand, the reverse complement: GALK1 is on the minus strand). VCF-style: chr17-75763369-TG-A. GRCh37 (hg19) VCF-style: chr17-73759450-TG-A.
Other names: c.425_426delinsT, p.Ser142fs (NM_001381985.1); short protein forms S142fs.
Identifiers: ClinVar variation 1724866 (VCV001724866.2), dbSNP rs2545903733, ClinGen allele CA2580095187.
Genomic context (GRCh38, chr17:75,763,369, plus strand): 5'-CTAGCTGGTACCTGGACAGAGCTGCTGGAGGAAGGTGTACGTGGCCACTTCCAAGGATGC[TG>A]AGCTGGACAGGCCACCCCCCAGGGGCACTGAGCTGACCACCACTGCACTGAAGCCAGGGA-3'